The following is an entry in ClinVar:

NM_004560.4(ROR2):c.2805C>G (p.Asp935Glu)

Gene: ROR2 (ROR family WNT receptor 2; minus strand). Cytogenetic location: 9q22.31.
Variant type: single nucleotide variant.
Coding change: c.2805C>G on transcript NM_004560.4 (MANE Select); coding-DNA position 2805, C replaced by G.
Protein change: p.Asp935Glu; replaces aspartic acid 935 with glutamic acid.
Molecular consequence: missense variant.
Genome position (GRCh38, 1-based): chr9:91,723,689, G>C on the plus strand (C>G on the coding strand, the complement: ROR2 is on the minus strand). VCF-style: chr9-91723689-G-C. GRCh37 (hg19) VCF-style: chr9-94485971-G-C.
Other names: short protein forms D935E.
Identifiers: ClinVar variation 159819 (VCV000159819.70), dbSNP rs41277835, ClinGen allele CA248106.
Genomic context (GRCh38, chr9:91,723,689, plus strand): 5'-CTTCTATCCCCGAACCCCGGGCCCTGGTGCCACTCAAGCTTCCAGCTGGACTTGGGCCTC[G>C]TCCACCTGCAGAGTGTCACAGTCCCCCAGCAGCTCAGTCTCTGGGACAGAGCCTTCCTCC-3'
Protein context (NP_004551.2, residues 925-943): LLGDCDTLQV[Asp935Glu]EAQVQLEA

ClinVar aggregate classification (germline): Conflicting classifications of pathogenicity. Review status: criteria provided, conflicting classifications (1 of 4 stars). 10 submissions from 9 submitters: Uncertain significance (1); Benign (4); Likely benign (3). 2 of the submissions do not count toward it. Last evaluated 2026-02-01.

Conditions:
Autosomal recessive Robinow syndrome (RRS1). Also called: COSTOVERTEBRAL SEGMENTATION DEFECT WITH MESOMELIA; COVESDEM SYNDROME; ROR2-Related Robinow Syndrome; ROBINOW SYNDROME, AUTOSOMAL RECESSIVE 1. Identifiers: Orphanet 1507, Orphanet 97360, MedGen C5399974, MONDO:0009999, OMIM 268310.
Brachydactyly type B1 (BDB1). Identifiers: Orphanet 572385, Orphanet 93383, MedGen C1862112, MONDO:0007220, OMIM 113000.

Allele frequency attached by ClinVar (database versions not stated): ESP Exome Variant Server 0.00554; 1000 Genomes Project 0.00200; 1000 Genomes Project 30x 0.00265; TOPMed 0.00503.
gnomAD v4.1: 12,959 of 1,613,804 alleles (0.8%); highest among the groups gnomAD compares: Non-Finnish European, 1%; 81 homozygotes.

Submissions (10):

CeGaT Center for Human Genetics Tuebingen
Classification: Benign. Last evaluated: 2026-02-01. Review status: criteria provided, single submitter. Criteria: CeGaT Center For Human Genetics Tuebingen Variant Classification Criteria Version 2. Collection method: clinical testing. Allele origin: germline. Affected: yes. Observed: 9 variant alleles.
Comment: ROR2: BP4, BS1, BS2

Labcorp Genetics (formerly Invitae), Labcorp
Classification: Benign. Last evaluated: 2026-01-24. Review status: criteria provided, single submitter. Criteria: Invitae Variant Classification Sherloc (09022015). Collection method: clinical testing. Allele origin: germline.

GeneDx
Classification: Likely benign. Last evaluated: 2020-06-16. Review status: criteria provided, single submitter. Criteria: GeneDx Variant Classification Process June 2021. Collection method: clinical testing. Allele origin: germline. Affected: yes.

Illumina Laboratory Services, Illumina
Classification: Benign for Brachydactyly type B1. Last evaluated: 2018-01-13. Review status: criteria provided, single submitter. Criteria: ICSL Variant Classification Criteria 13 December 2019. Collection method: clinical testing. Allele origin: germline.
Comment: This variant was observed in the ICSL laboratory as part of a predisposition screen in an ostensibly healthy population. It had not been previously curated by ICSL or reported in the Human Gene Mutation Database (HGMD: prior to June 1st, 2018), and was therefore a candidate for classification through an automated scoring system. Utilizing variant allele frequency, disease prevalence and penetrance estimates, and inheritance mode, an automated score was calculated to assess if this variant is too frequent to cause the disease. Based on the score and internal cut-off values, a variant classified as benign is not then subjected to further curation. The score for this variant resulted in a classification of benign for this disease.

Illumina Laboratory Services, Illumina
Classification: Likely benign for Autosomal recessive Robinow syndrome. Last evaluated: 2018-01-13. Review status: criteria provided, single submitter. Criteria: ICSL Variant Classification Criteria 13 December 2019. Collection method: clinical testing. Allele origin: germline.
Comment: This variant was observed in the ICSL laboratory as part of a predisposition screen in an ostensibly healthy population. It had not been previously curated by ICSL or reported in the Human Gene Mutation Database (HGMD: prior to June 1st, 2018), and was therefore a candidate for classification through an automated scoring system. Utilizing variant allele frequency, disease prevalence and penetrance estimates, and inheritance mode, an automated score was calculated to assess if this variant is too frequent to cause the disease. Based on the score and internal cut-off values, a variant classified as likely benign is not then subjected to further curation. The score for this variant resulted in a classification of likely benign for this disease.

Center for Pediatric Genomic Medicine, Children's Mercy Hospital and Clinics
Classification: Likely benign. Last evaluated: 2017-05-15. Review status: criteria provided, single submitter. Criteria: ACMG Guidelines, 2015. Collection method: clinical testing. Allele origin: germline.

Eurofins Ntd Llc (ga)
Classification: Benign. Last evaluated: 2015-09-17. Review status: criteria provided, single submitter. Criteria: EGL Classification Definitions 2015. Collection method: clinical testing. Allele origin: germline. Observed: 4 variant alleles, 4 heterozygotes.

Genetic Services Laboratory, University of Chicago
Classification: Uncertain significance for Robinow syndrome, autosomal recessive. Last evaluated: 2014-07-08. Review status: criteria provided, single submitter. Criteria: ACMG Guidelines, 2015. Collection method: clinical testing. Allele origin: germline. Inheritance: Autosomal recessive inheritance.

Joint Genome Diagnostic Labs from Nijmegen and Maastricht, Radboudumc and MUMC+
Classification: Likely benign. Review status: no assertion criteria provided. Collection method: clinical testing. Allele origin: germline. Affected: yes. Study: VKGL Data-share Consensus. Not counted in ClinVar's aggregate classification.

Laboratory of Diagnostic Genome Analysis, Leiden University Medical Center (LUMC)
Classification: Likely benign. Review status: no assertion criteria provided. Collection method: clinical testing. Allele origin: germline. Affected: yes. Study: VKGL Data-share Consensus. Not counted in ClinVar's aggregate classification.